The following is an entry in ClinVar:

ClinVar aggregate classification (germline): Likely pathogenic (1 of 4 stars; one submission).

Submission:

Labcorp Genetics (formerly Invitae), Labcorp
Classification: Likely pathogenic. Last evaluated: 2021-04-08. Review status: criteria provided, single submitter. Criteria: Invitae Variant Classification Sherloc (09022015). Collection method: clinical testing. Allele origin: germline.
Comment: In summary, the currently available evidence indicates that the variant is pathogenic, but additional data are needed to prove that conclusively. Therefore, this variant has been classified as Likely Pathogenic. Algorithms developed to predict the effect of sequence changes on RNA splicing suggest that this variant may disrupt the consensus splice site, but this prediction has not been confirmed by published transcriptional studies. This variant has not been reported in the literature in individuals with CNGB3-related conditions. This variant is not present in population databases (ExAC no frequency). This sequence change affects a donor splice site in intron 4 of the CNGB3 gene. It is expected to disrupt RNA splicing. Variants that disrupt the donor or acceptor splice site typically lead to a loss of protein function (PMID: 16199547), and loss-of-function variants in CNGB3 are known to be pathogenic (PMID: 28795510).

Literature cited by the submitters: PubMed 16199547; PubMed 28795510.

NM_019098.5(CNGB3):c.493+1G>C

Gene: CNGB3 (cyclic nucleotide gated channel subunit beta 3; minus strand). Cytogenetic location: 8q21.3.
Variant type: single nucleotide variant.
Coding change: c.493+1G>C on transcript NM_019098.5 (MANE Select); the canonical splice donor site of the intron after coding-DNA position 493, G replaced by C.
Molecular consequence: splice donor variant.
Genome position (GRCh38, 1-based): chr8:86,670,943, C>G on the plus strand (G>C on the coding strand, the complement: CNGB3 is on the minus strand). VCF-style: chr8-86670943-C-G. GRCh37 (hg19) VCF-style: chr8-87683171-C-G.
Identifiers: ClinVar variation 1508997 (VCV001508997.8), dbSNP rs2131618846, ClinGen allele CA371450022.